The following is an entry in ClinVar:

NM_001130144.3(LTBP3):c.227T>C (p.Leu76Pro)

Gene: LTBP3 (latent transforming growth factor beta binding protein 3; minus strand). Cytogenetic location: 11q13.1.
Variant type: single nucleotide variant.
Coding change: c.227T>C on transcript NM_001130144.3 (MANE Select); coding-DNA position 227, T replaced by C.
Protein change: p.Leu76Pro; replaces leucine 76 with proline.
Molecular consequence: missense variant. On other transcripts: 5 prime UTR variant (1).
Genome position (GRCh38, 1-based): chr11:65,557,733, A>G on the plus strand (T>C on the coding strand, the complement: LTBP3 is on the minus strand). VCF-style: chr11-65557733-A-G. GRCh37 (hg19) VCF-style: chr11-65325204-A-G.
Other names: c.-121T>C (NM_001164266.1); c.227T>C, p.Leu76Pro (NM_021070.4); short protein forms L76P.
Identifiers: ClinVar variation 4859320 (VCV004859320.1).

ClinVar aggregate classification (germline): Uncertain significance (1 of 4 stars; one submission).

Conditions:
Inborn genetic diseases. Identifiers: MedGen C0950123, MeSH D030342.

Submission:

Ambry Genetics
Classification: Uncertain significance for Inborn genetic diseases. Last evaluated: 2026-05-28. Review status: criteria provided, single submitter. Criteria: Ambry Variant Classification Scheme 2023. Collection method: clinical testing. Allele origin: germline.
Comment: The p.L76P variant (also known as c.227T>C), located in coding exon 1 of the LTBP3 gene, results from a T to C substitution at nucleotide position 227. The leucine at codon 76 is replaced by proline, an amino acid with similar properties. This amino acid position is conserved. In addition, the in silico prediction for this alteration is inconclusive. Based on the available evidence, the clinical significance of this variant remains unclear.